The following is an entry in ClinVar:

NM_001099922.3(ALG13):c.3221A>G (p.Tyr1074Cys)

Gene: ALG13 (ALG13 UDP-N-acetylglucosaminyltransferase subunit; plus strand). Cytogenetic location: Xq23.
Variant type: single nucleotide variant.
Coding change: c.3221A>G on transcript NM_001099922.3 (MANE Select); coding-DNA position 3221, A replaced by G.
Protein change: p.Tyr1074Cys; replaces tyrosine 1074 with cysteine.
Molecular consequence: missense variant. On other transcripts: non-coding transcript variant (1).
Genome position (GRCh38, 1-based): chrX:111,759,806, A>G. VCF-style: chrX-111759806-A-G. GRCh37 (hg19) VCF-style: chrX-111003034-A-G.
Other names: c.2672A>G, p.Tyr891Cys (NM_001257230.2, NM_001257234.2, NM_001257237.2); c.2987A>G, p.Tyr996Cys (NM_001257231.2); c.2984A>G, p.Tyr995Cys (NM_001324292.2); c.2498A>G, p.Tyr833Cys (NM_001324293.1); short protein forms Y1074C, Y833C, Y891C, Y995C, Y996C.
Identifiers: ClinVar variation 381527 (VCV000381527.15), dbSNP rs372990620, ClinGen allele CA10494063.

ClinVar aggregate classification (germline): Benign/Likely benign. Review status: criteria provided, multiple submitters, no conflicts (2 of 4 stars). 5 submissions from 5 submitters: Benign (2); Likely benign (3). Last evaluated 2025-12-30.

Conditions:
Developmental and epileptic encephalopathy, 36 (DEE36). Also called: Congenital disorder of glycosylation, type Is; Epileptic encephalopathy, early infantile, 36; ALG13-CDG. Identifiers: Orphanet 324422, MedGen C4317295, MONDO:0010472, OMIM 300884.

Allele frequency attached by ClinVar (database versions not stated): TOPMed 0.00004; 1000 Genomes Project 30x 0.00042; 1000 Genomes Project 0.00053.
gnomAD v4.1: 361 of 1,208,181 alleles (0.03%); highest among the groups gnomAD compares: South Asian, 0.57%; 1 homozygote.

Submissions (5):

Labcorp Genetics (formerly Invitae), Labcorp
Classification: Benign for Developmental and epileptic encephalopathy, 36. Last evaluated: 2025-12-30. Review status: criteria provided, single submitter. Criteria: Invitae Variant Classification Sherloc (09022015). Collection method: clinical testing. Allele origin: germline.

Blueprint Genetics
Classification: Likely benign. Last evaluated: 2024-11-06. Review status: criteria provided, single submitter. Criteria: ACMG Guidelines, 2015. Collection method: clinical testing. Allele origin: germline.

Genome-Nilou Lab
Classification: Benign for Developmental and epileptic encephalopathy, 36. Last evaluated: 2021-12-05. Review status: criteria provided, single submitter. Criteria: ACMG Guidelines, 2015. Collection method: clinical testing. Allele origin: germline. Affected: no.

Fulgent Genetics
Classification: Likely benign for Developmental and epileptic encephalopathy, 36. Last evaluated: 2021-07-19. Review status: criteria provided, single submitter. Criteria: ACMG Guidelines, 2015. Collection method: clinical testing. Allele origin: unknown.

GeneDx
Classification: Likely benign. Last evaluated: 2019-01-02. Review status: criteria provided, single submitter. Criteria: GeneDx Variant Classification Process June 2021. Collection method: clinical testing. Allele origin: germline. Affected: yes.
Comment: This variant is associated with the following publications: (PMID: 24501762, 28887793, 28940310, 25732998)